The following is an entry in ClinVar:

NM_172364.5(CACNA2D4):c.703G>A (p.Val235Met)

Gene: CACNA2D4 (calcium voltage-gated channel auxiliary subunit alpha2delta 4; minus strand). Cytogenetic location: 12p13.33.
Variant type: single nucleotide variant.
Coding change: c.703G>A on transcript NM_172364.5 (MANE Select); coding-DNA position 703, G replaced by A.
Protein change: p.Val235Met; replaces valine 235 with methionine.
Molecular consequence: missense variant.
Genome position (GRCh38, 1-based): chr12:1,907,518, C>T on the plus strand (G>A on the coding strand, the complement: CACNA2D4 is on the minus strand). VCF-style: chr12-1907518-C-T. GRCh37 (hg19) VCF-style: chr12-2016684-C-T.
Other names: short protein forms V235M.
Identifiers: ClinVar variation 1977640 (VCV001977640.6), dbSNP rs187719227, ClinGen allele CA231581268.
Genomic context (GRCh38, chr12:1,907,518, plus strand): 5'-ATCCAGTTGCACTGCCAAAATATTGCCAGGTCAACGTTGGGTCTCTCTGGAAGTTCTCCA[C>T]GAAGACAGCATTCAAGGCTTCAGACATGTAGACTCCATTTAAAATATCTGGGTCTGAAGG-3'
Protein context (NP_758952.4, residues 225-245): YMSEALNAVF[Val235Met]ENFQRDPTLT

ClinVar aggregate classification (germline): Uncertain significance. Review status: criteria provided, multiple submitters, no conflicts (2 of 4 stars). 2 submissions from 2 submitters: Uncertain significance (2). Last evaluated 2022-04-16.

Allele frequency attached by ClinVar (database versions not stated): gnomAD 0.00001; 1000 Genomes Project 0.00020; 1000 Genomes Project 30x 0.00031.
gnomAD v4.1: 3 of 1,613,474 alleles (0.00019%); highest among the groups gnomAD compares: East Asian, 0.0022%; no homozygotes.

Submissions (2):

Labcorp Genetics (formerly Invitae), Labcorp
Classification: Uncertain significance. Last evaluated: 2022-04-16. Review status: criteria provided, single submitter. Criteria: Invitae Variant Classification Sherloc (09022015). Collection method: clinical testing. Allele origin: germline.
Comment: In summary, the available evidence is currently insufficient to determine the role of this variant in disease. Therefore, it has been classified as a Variant of Uncertain Significance. Algorithms developed to predict the effect of missense changes on protein structure and function are either unavailable or do not agree on the potential impact of this missense change (SIFT: "Deleterious"; PolyPhen-2: "Possibly Damaging"; Align-GVGD: "Class C0"). This variant has not been reported in the literature in individuals affected with CACNA2D4-related conditions. This variant is present in population databases (rs187719227, gnomAD 0.0009%). This sequence change replaces valine, which is neutral and non-polar, with methionine, which is neutral and non-polar, at codon 235 of the CACNA2D4 protein (p.Val235Met).

Blueprint Genetics
Classification: Uncertain significance. Last evaluated: 2021-01-29. Review status: criteria provided, single submitter. Criteria: ACMG Guidelines, 2015. Collection method: clinical testing. Allele origin: germline.